The following is an entry in ClinVar:

NM_003106.4(SOX2):c.411T>A (p.Asn137Lys)

Genes: SOX2 (SRY-box transcription factor 2; plus strand), SOX2-OT (SOX2 overlapping transcript; plus strand), LOC108281177 (SOX2 5' regulatory region; plus strand). Cytogenetic location: 3q26.33.
Variant type: single nucleotide variant.
Coding change: c.411T>A on transcript NM_003106.4 (MANE Select); coding-DNA position 411, T replaced by A.
Protein change: p.Asn137Lys; replaces asparagine 137 with lysine.
Molecular consequence: missense variant.
Genome position (GRCh38, 1-based): chr3:181,712,771, T>A. VCF-style: chr3-181712771-T-A. GRCh37 (hg19) VCF-style: chr3-181430559-T-A.
Other names: short protein forms N137K.
Identifiers: ClinVar variation 3360985 (VCV003360985.1).

ClinVar aggregate classification (germline): Uncertain significance (1 of 4 stars; one submission).

Submission:

GeneDx
Classification: Uncertain significance. Last evaluated: 2023-07-10. Review status: criteria provided, single submitter. Criteria: GeneDx Variant Classification Process June 2021. Collection method: clinical testing. Allele origin: germline. Affected: yes.
Comment: Not observed at significant frequency in large population cohorts (gnomAD); In silico analysis supports that this missense variant does not alter protein structure/function; Has not been previously published as pathogenic or benign to our knowledge